The following is an entry in ClinVar:

ClinVar aggregate classification (germline): Uncertain significance (1 of 4 stars; one submission).

Conditions:
Walker-Warburg congenital muscular dystrophy. Also called: Muscular dystrophy-dystroglycanopathy, type A; Walker-Warburg syndrome. Identifiers: Orphanet 899, MedGen C0265221, MONDO:0000171.

gnomAD v4.1: 4 of 1,610,672 alleles (0.00025%); highest among the groups gnomAD compares: Non-Finnish European, 0.00034%; no homozygotes.

Submission:

Labcorp Genetics (formerly Invitae), Labcorp
Classification: Uncertain significance for Walker-Warburg congenital muscular dystrophy. Last evaluated: 2021-09-01. Review status: criteria provided, single submitter. Criteria: Invitae Variant Classification Sherloc (09022015). Collection method: clinical testing. Allele origin: germline.
Comment: This sequence change replaces alanine with serine at codon 381 of the FKRP protein (p.Ala381Ser). The alanine residue is moderately conserved and there is a moderate physicochemical difference between alanine and serine. This variant is not present in population databases (ExAC no frequency). This variant has not been reported in the literature in individuals affected with FKRP-related conditions. Algorithms developed to predict the effect of missense changes on protein structure and function are either unavailable or do not agree on the potential impact of this missense change (SIFT: "Tolerated"; PolyPhen-2: "Possibly Damaging"; Align-GVGD: "Class C0"). Algorithms developed to predict the effect of sequence changes on RNA splicing suggest that this variant may create or strengthen a splice site. In summary, the available evidence is currently insufficient to determine the role of this variant in disease. Therefore, it has been classified as a Variant of Uncertain Significance.

NM_024301.5(FKRP):c.1141G>T (p.Ala381Ser)

Gene: FKRP (fukutin related protein; plus strand). Cytogenetic location: 19q13.32.
Variant type: single nucleotide variant.
Coding change: c.1141G>T on transcript NM_024301.5 (MANE Select); coding-DNA position 1141, G replaced by T.
Protein change: p.Ala381Ser; replaces alanine 381 with serine.
Molecular consequence: missense variant.
Genome position (GRCh38, 1-based): chr19:46,756,591, G>T. VCF-style: chr19-46756591-G-T. GRCh37 (hg19) VCF-style: chr19-47259848-G-T.
Other names: c.1141G>T, p.Ala381Ser (NM_001039885.3); short protein forms A381S.
Identifiers: ClinVar variation 859824 (VCV000859824.3), dbSNP rs1031408738, ClinGen allele CA406496732.